The following is an entry in ClinVar:

ClinVar aggregate classification (germline): Uncertain significance. Review status: criteria provided, multiple submitters, no conflicts (2 of 4 stars). 2 submissions from 2 submitters: Uncertain significance (2). Last evaluated 2024-02-06.

Conditions:
Seckel syndrome 1 (SCKL1). Also called: MICROCEPHALIC PRIMORDIAL DWARFISM I. Identifiers: Orphanet 808, MedGen C4551474, MONDO:0008869, OMIM 210600.

Allele frequency attached by ClinVar (database versions not stated): gnomAD exomes 0.00001 and 0.00003; TOPMed 0.00001; ExAC 0.00002.
gnomAD v4.1: 47 of 1,612,350 alleles (0.0029%); highest among the groups gnomAD compares: Non-Finnish European, 0.0039%; no homozygotes.

Submissions (2):

Labcorp Genetics (formerly Invitae), Labcorp
Classification: Uncertain significance. Last evaluated: 2024-02-06. Review status: criteria provided, single submitter. Criteria: Invitae Variant Classification Sherloc (09022015). Collection method: clinical testing. Allele origin: germline.
Comment: This sequence change replaces serine, which is neutral and polar, with leucine, which is neutral and non-polar, at codon 595 of the ATR protein (p.Ser595Leu). This variant is present in population databases (rs747451103, gnomAD 0.003%). This variant has not been reported in the literature in individuals affected with ATR-related conditions. ClinVar contains an entry for this variant (Variation ID: 343618). An algorithm developed to predict the effect of missense changes on protein structure and function (PolyPhen-2) suggests that this variant is likely to be disruptive. In summary, the available evidence is currently insufficient to determine the role of this variant in disease. Therefore, it has been classified as a Variant of Uncertain Significance.

Illumina Laboratory Services, Illumina
Classification: Uncertain significance for Seckel syndrome 1. Last evaluated: 2018-01-12. Review status: criteria provided, single submitter. Criteria: ICSL Variant Classification Criteria 13 December 2019. Collection method: clinical testing. Allele origin: germline.

NM_001184.4(ATR):c.1784C>T (p.Ser595Leu)

Gene: ATR (ATR checkpoint kinase; minus strand). Cytogenetic location: 3q23.
Variant type: single nucleotide variant.
Coding change: c.1784C>T on transcript NM_001184.4 (MANE Select); coding-DNA position 1784, C replaced by T.
Protein change: p.Ser595Leu; replaces serine 595 with leucine.
Molecular consequence: missense variant.
Genome position (GRCh38, 1-based): chr3:142,558,725, G>A on the plus strand (C>T on the coding strand, the complement: ATR is on the minus strand). VCF-style: chr3-142558725-G-A. GRCh37 (hg19) VCF-style: chr3-142277567-G-A.
Other names: c.1592C>T, p.Ser531Leu (NM_001354579.2); short protein forms S595L, S531L.
Identifiers: ClinVar variation 343618 (VCV000343618.6), dbSNP rs747451103, ClinGen allele CA2650515.
Genomic context (GRCh38, chr3:142,558,725, plus strand): 5'-GCGGCAAATGTGGTCAACTTTAAACAGCCATCATCAGAATGGGAATAAATCCATGGAAGT[G>A]AGAGCATACCACATAAATCTTCCAGGATATGATCTTCAAATGAACTGTTTACTACAGAAG-3'
Protein context (NP_001175.2, residues 585-605): HILEDLCGML[Ser595Leu]LPWIYSHSDD